The following is an entry in ClinVar:

NM_001378454.1(ALMS1):c.1264G>A (p.Asp422Asn)

Gene: ALMS1 (ALMS1 centrosome and basal body associated protein; plus strand). Cytogenetic location: 2p13.1.
Variant type: single nucleotide variant.
Coding change: c.1264G>A on transcript NM_001378454.1 (MANE Select); coding-DNA position 1264, G replaced by A.
Protein change: p.Asp422Asn; replaces aspartic acid 422 with asparagine.
Molecular consequence: missense variant.
Genome position (GRCh38, 1-based): chr2:73,426,479, G>A. VCF-style: chr2-73426479-G-A. GRCh37 (hg19) VCF-style: chr2-73653607-G-A.
Other names: c.1267G>A, p.Asp423Asn (NM_015120.4); short protein forms D423N, D422N.
Identifiers: ClinVar variation 337008 (VCV000337008.6), dbSNP rs886056297, ClinGen allele CA10613939.
Genomic context (GRCh38, chr2:73,426,479, plus strand): 5'-CATACAATTATGCAAAATGACTCCTATTTTGTAGAGGGCCTGCAGGGGAAGGTTGAGTCT[G>A]ACGTCATTACTCTGGATGGCCTAAATGAAAATGCTGTTGTATGCAGTGAAAGAGTTGCTG-3'
Protein context (NP_001365383.1, residues 412-432): TKGLQGKVES[Asp422Asn]VITLDGLNEN

ClinVar aggregate classification (germline): Likely benign (1 of 4 stars; one submission).

Conditions:
ALMS1-related disorder. Also called: ALMS1-related condition.

Submission:

PreventionGenetics, part of Exact Sciences
Classification: Likely benign for ALMS1-related condition. Last evaluated: 2023-09-20. Review status: criteria provided, single submitter. Criteria: ACMG Guidelines, 2015. Collection method: clinical testing. Allele origin: germline.
Comment: This variant is classified as likely benign based on ACMG/AMP sequence variant interpretation guidelines (Richards et al. 2015 PMID: 25741868, with internal and published modifications).